The following is an entry in ClinVar:

NM_002184.4(IL6ST):c.2273A>G (p.Gln758Arg)

Gene: IL6ST (interleukin 6 cytokine family signal transducer; minus strand). Cytogenetic location: 5q11.2.
Variant type: single nucleotide variant.
Coding change: c.2273A>G on transcript NM_002184.4 (MANE Select); coding-DNA position 2273, A replaced by G.
Protein change: p.Gln758Arg; replaces glutamine 758 with arginine.
Molecular consequence: missense variant. On other transcripts: 3 prime UTR variant (1), non-coding transcript variant (2).
Genome position (GRCh38, 1-based): chr5:55,941,566, T>C on the plus strand (A>G on the coding strand, the complement: IL6ST is on the minus strand). VCF-style: chr5-55941566-T-C. GRCh37 (hg19) VCF-style: chr5-55237394-T-C.
Other names: c.2090A>G, p.Gln697Arg (NM_001190981.2); c.2171A>G, p.Gln724Arg (NM_001364275.2); c.2063A>G, p.Gln688Arg (NM_001364276.2); c.1406A>G, p.Gln469Arg (NM_001364277.2); c.1370A>G, p.Gln457Arg (NM_001364278.2); c.1277A>G, p.Gln426Arg (NM_001364279.2); c.*1200A>G (NM_175767.3); short protein forms Q697R, Q724R, Q758R, Q426R, Q469R, Q457R, Q688R.
Identifiers: ClinVar variation 3679624 (VCV003679624.2).

ClinVar aggregate classification (germline): Uncertain significance (1 of 4 stars; one submission).

Submission:

Labcorp Genetics (formerly Invitae), Labcorp
Classification: Uncertain significance. Last evaluated: 2024-05-20. Review status: criteria provided, single submitter. Criteria: Invitae Variant Classification Sherloc (09022015). Collection method: clinical testing. Allele origin: germline.
Comment: This sequence change replaces glutamine, which is neutral and polar, with arginine, which is basic and polar, at codon 758 of the IL6ST protein (p.Gln758Arg). This variant is not present in population databases (gnomAD no frequency). This variant has not been reported in the literature in individuals affected with IL6ST-related conditions. An algorithm developed to predict the effect of missense changes on protein structure and function (PolyPhen-2) suggests that this variant is likely to be disruptive. In summary, the available evidence is currently insufficient to determine the role of this variant in disease. Therefore, it has been classified as a Variant of Uncertain Significance.